The following is an entry in ClinVar:

NM_001082538.3(TCTN1):c.496A>C (p.Asn166His)

Gene: TCTN1 (tectonic family member 1; plus strand). Cytogenetic location: 12q24.11.
Variant type: single nucleotide variant.
Coding change: c.496A>C on transcript NM_001082538.3 (MANE Select); coding-DNA position 496, A replaced by C.
Protein change: p.Asn166His; replaces asparagine 166 with histidine.
Molecular consequence: missense variant. On other transcripts: 5 prime UTR variant (1), non-coding transcript variant (1).
Genome position (GRCh38, 1-based): chr12:110,628,790, A>C. VCF-style: chr12-110628790-A-C. GRCh37 (hg19) VCF-style: chr12-111066595-A-C.
Other names: c.496A>C, p.Asn166His (NM_001082537.3, NM_001319680.2, NM_024549.6); c.328A>C, p.Asn110His (NM_001173975.3, NM_001319682.3); c.316A>C, p.Asn106His (NM_001173976.2); c.-39A>C (NM_001319681.2); short protein forms N166H, N106H, N110H.
Identifiers: ClinVar variation 2131347 (VCV002131347.4), dbSNP rs1209116081, ClinGen allele CA386702236.

ClinVar aggregate classification (germline): Uncertain significance (1 of 4 stars; one submission).

Conditions:
Joubert syndrome. Also called: CEREBELLOPARENCHYMAL DISORDER IV; JOUBERT-BOLTSHAUSER SYNDROME; Familial aplasia of the vermis. Identifiers: Orphanet 475, MedGen C5979921, MONDO:0018772.
Meckel-Gruber syndrome. Also called: DYSENCEPHALIA SPLANCHNOCYSTICA; GRUBER SYNDROME; Dysencephalia splachnocystica. Identifiers: Orphanet 564, MedGen C0265215, MONDO:0018921.

Allele frequency attached by ClinVar (database versions not stated): gnomAD 0.00001.

Submission:

Labcorp Genetics (formerly Invitae), Labcorp
Classification: Uncertain significance for Joubert syndrome; Meckel-Gruber syndrome. Last evaluated: 2022-04-29. Review status: criteria provided, single submitter. Criteria: Invitae Variant Classification Sherloc (09022015). Collection method: clinical testing. Allele origin: germline.
Comment: This variant is present in population databases (no rsID available, gnomAD 0.01%). This sequence change replaces asparagine, which is neutral and polar, with histidine, which is basic and polar, at codon 166 of the TCTN1 protein (p.Asn166His). This variant has not been reported in the literature in individuals affected with TCTN1-related conditions. In summary, the available evidence is currently insufficient to determine the role of this variant in disease. Therefore, it has been classified as a Variant of Uncertain Significance. Algorithms developed to predict the effect of missense changes on protein structure and function are either unavailable or do not agree on the potential impact of this missense change (SIFT: "Deleterious"; PolyPhen-2: "Possibly Damaging"; Align-GVGD: "Class C0").